The following is an entry in ClinVar:

NM_017780.4(CHD7):c.8570C>T (p.Ser2857Phe)

Gene: CHD7 (chromodomain helicase DNA binding protein 7; plus strand). Cytogenetic location: 8q12.2.
Variant type: single nucleotide variant.
Coding change: c.8570C>T on transcript NM_017780.4 (MANE Select); coding-DNA position 8570, C replaced by T.
Protein change: p.Ser2857Phe; replaces serine 2857 with phenylalanine.
Molecular consequence: missense variant.
Genome position (GRCh38, 1-based): chr8:60,865,509, C>T. VCF-style: chr8-60865509-C-T. GRCh37 (hg19) VCF-style: chr8-61778068-C-T.
Other names: c.2423C>T, p.Ser808Phe (NM_001316690.1); short protein forms S2857F, S808F.
Identifiers: ClinVar variation 3346713 (VCV003346713.1).
Genomic context (GRCh38, chr8:60,865,509, plus strand): 5'-AAGACAGCACTTCAAAAGGAGAGGAGAAAGGAAATGAGAATGAAGACGAGAACAAAGACT[C>T]TGAGAAAAGCACAGATGCTGTTTCGGCTGCTGACTCTGCGAATGGATCTGTTGGTGCTGC-3'
Protein context (NP_060250.2, residues 2847-2867): GNENEDENKD[Ser2857Phe]EKSTDAVSAA

ClinVar aggregate classification (germline): Uncertain significance (0 of 4 stars; one submission).

Conditions:
CHD7-related disorder. Also called: CHD7-related condition.

Submission:

PreventionGenetics, part of Exact Sciences
Classification: Uncertain significance for CHD7-related condition. Last evaluated: 2024-09-12. Review status: no assertion criteria provided. Collection method: clinical testing. Allele origin: germline.
Comment: The CHD7 c.8570C>T variant is predicted to result in the amino acid substitution p.Ser2857Phe. To our knowledge, this variant has not been reported in the literature or in a large population database, indicating this variant is rare. At this time, the clinical significance of this variant is uncertain due to the absence of conclusive functional and genetic evidence.